The following is an entry in ClinVar:

ClinVar aggregate classification (germline): Uncertain significance. Review status: criteria provided, multiple submitters, no conflicts (2 of 4 stars). 3 submissions from 3 submitters: Uncertain significance (3). Last evaluated 2025-02-24.

Conditions:
Bardet-Biedl syndrome (BBS). Identifiers: Orphanet 110, MedGen C0752166, MONDO:0015229.
BBS7-related disorder. Also called: BBS7-related condition.
Bardet-Biedl syndrome 7 (BBS7). Identifiers: Orphanet 110, MedGen C1859565, MONDO:0014435, OMIM 615984.

Allele frequency attached by ClinVar (database versions not stated): gnomAD 0.00001; gnomAD exomes 0.00001 and 0.00004; ExAC 0.00005; 1000 Genomes Project 30x 0.00016; 1000 Genomes Project 0.00020.
gnomAD v4.1: 13 of 1,605,116 alleles (0.00081%); highest among the groups gnomAD compares: South Asian, 0.0099%; no homozygotes.

Submissions (3):

PreventionGenetics, part of Exact Sciences
Classification: Uncertain significance for BBS7-related condition. Last evaluated: 2025-02-24. Review status: criteria provided, single submitter. Criteria: ACMG Guidelines, 2015. Collection method: clinical testing. Allele origin: germline.
Comment: The BBS7 c.2042A>T variant is predicted to result in the amino acid substitution p.Lys681Ile. To our knowledge, this variant has not been reported in the literature. This variant is reported in 0.030% of alleles in individuals of South Asian descent in gnomAD. At this time, the clinical significance of this variant is uncertain due to the absence of conclusive functional and genetic evidence.

Revvity Omics, Revvity
Classification: Uncertain significance for Bardet-Biedl syndrome 7. Last evaluated: 2023-11-07. Review status: criteria provided, single submitter. Criteria: ACMG Guidelines, 2015. Collection method: clinical testing. Allele origin: germline.

Labcorp Genetics (formerly Invitae), Labcorp
Classification: Uncertain significance for Bardet-Biedl syndrome. Last evaluated: 2023-07-16. Review status: criteria provided, single submitter. Criteria: Invitae Variant Classification Sherloc (09022015). Collection method: clinical testing. Allele origin: germline.
Comment: In summary, the available evidence is currently insufficient to determine the role of this variant in disease. Therefore, it has been classified as a Variant of Uncertain Significance. Advanced modeling of protein sequence and biophysical properties (such as structural, functional, and spatial information, amino acid conservation, physicochemical variation, residue mobility, and thermodynamic stability) performed at Invitae indicates that this missense variant is not expected to disrupt BBS7 protein function. ClinVar contains an entry for this variant (Variation ID: 1361921). This variant has not been reported in the literature in individuals affected with BBS7-related conditions. This variant is present in population databases (rs534408910, gnomAD 0.03%). This sequence change replaces lysine, which is basic and polar, with isoleucine, which is neutral and non-polar, at codon 681 of the BBS7 protein (p.Lys681Ile).

NM_176824.3(BBS7):c.2042A>T (p.Lys681Ile)

Gene: BBS7 (Bardet-Biedl syndrome 7; minus strand). Cytogenetic location: 4q27.
Variant type: single nucleotide variant.
Coding change: c.2042A>T on transcript NM_176824.3 (MANE Select); coding-DNA position 2042, A replaced by T.
Protein change: p.Lys681Ile; replaces lysine 681 with isoleucine.
Molecular consequence: missense variant.
Genome position (GRCh38, 1-based): chr4:121,825,966, T>A on the plus strand (A>T on the coding strand, the complement: BBS7 is on the minus strand). VCF-style: chr4-121825966-T-A. GRCh37 (hg19) VCF-style: chr4-122747121-T-A.
Other names: c.2042A>T (NM_176824.2); short protein forms K681I.
Identifiers: ClinVar variation 1361921 (VCV001361921.11), dbSNP rs534408910, ClinGen allele CA3064062.
Genomic context (GRCh38, chr4:121,825,966, plus strand): 5'-TCCAGAATTTCCAATAGAAGGGGTACTTTAGTTTTTACATTGGTGCCTTTAAACTTAAAT[T>A]TATCTATGAAAAGATCAGTGATCATGCCTTTAAAGAAAAAACATAAATTTCCTGTCAGTG-3'
Protein context (NP_789794.1, residues 671-691): YGMITDLFID[Lys681Ile]FKFKGTNVKT